The following is an entry in ClinVar:

ClinVar aggregate classification (germline): Likely benign. Review status: criteria provided, multiple submitters, no conflicts (2 of 4 stars). 4 submissions from 4 submitters: Likely benign (4). Last evaluated 2026-03-03.

Conditions:
ALPK3-related disorder. Also called: ALPK3-related condition.
Cardiovascular phenotype. Identifiers: MedGen CN230736.

Allele frequency attached by ClinVar (database versions not stated): gnomAD 0.00003; gnomAD exomes 0.00003; TOPMed 0.00003; ExAC 0.00006; ESP Exome Variant Server 0.00008.

Submissions (4):

PreventionGenetics, part of Exact Sciences
Classification: Likely benign for ALPK3-related condition. Last evaluated: 2026-03-03. Review status: criteria provided, single submitter. Criteria: ACMG Guidelines, 2015. Collection method: clinical testing. Allele origin: germline.
Comment: This variant is classified as likely benign based on ACMG/AMP sequence variant interpretation guidelines (Richards et al. 2015 PMID: 25741868, with internal and published modifications).

Labcorp Genetics (formerly Invitae), Labcorp
Classification: Likely benign. Last evaluated: 2025-12-06. Review status: criteria provided, single submitter. Criteria: Invitae Variant Classification Sherloc (09022015). Collection method: clinical testing. Allele origin: germline.

Ambry Genetics
Classification: Likely benign for Cardiovascular phenotype. Last evaluated: 2023-10-31. Review status: criteria provided, single submitter. Criteria: Ambry Variant Classification Scheme 2023. Collection method: clinical testing. Allele origin: germline.

GeneDx
Classification: Likely benign. Last evaluated: 2021-03-08. Review status: criteria provided, single submitter. Criteria: GeneDx Variant Classification Process June 2021. Collection method: clinical testing. Allele origin: germline. Affected: yes.

NM_020778.5(ALPK3):c.3732C>T (p.Ala1244=)

Gene: ALPK3 (alpha kinase 3; plus strand). Cytogenetic location: 15q25.3.
Variant type: single nucleotide variant.
Coding change: c.3732C>T on transcript NM_020778.5 (MANE Select); coding-DNA position 3732, C replaced by T.
Protein change: p.Ala1244=; no amino-acid change (alanine 1244 retained).
Molecular consequence: synonymous variant.
Genome position (GRCh38, 1-based): chr15:84,858,470, C>T. VCF-style: chr15-84858470-C-T. GRCh37 (hg19) VCF-style: chr15-85401701-C-T.
Identifiers: ClinVar variation 1333040 (VCV001333040.8), dbSNP rs370828206, ClinGen allele CA7709706.
Genomic context (GRCh38, chr15:84,858,470, plus strand): 5'-GGAGGTGCCTCGGGCAGAGGAGGAGCTGGCGGCAGGAGACCTGGGCCCCAGCCCCAAGGC[C>T]GGCGGTCTGGACACAGAGGTGGCCCTGGATGAAGGCAAGCAGGAGACACTGGCCAAGCCC-3'
Protein context (NP_065829.4, residues 1234-1254): AAGDLGPSPK[Ala1244=]GGLDTEVALD